The following is an entry in ClinVar:

ClinVar aggregate classification (germline): Conflicting classifications of pathogenicity. Review status: criteria provided, conflicting classifications (1 of 4 stars). 4 submissions from 4 submitters: Uncertain significance (3); Likely benign (1). Last evaluated 2026-01-19.

Conditions:
Charcot-Marie-Tooth disease dominant intermediate E. Also called: CHARCOT-MARIE-TOOTH NEUROPATHY WITH FOCAL SEGMENTAL GLOMERULONEPHRITIS. Identifiers: Orphanet 93114, MedGen C4302667, MONDO:0013758, OMIM 614455.
Focal segmental glomerulosclerosis 5 (FSGS5). Identifiers: Orphanet 656, MedGen C2750475, MONDO:0013191, OMIM 613237.
Inborn genetic diseases. Identifiers: MedGen C0950123, MeSH D030342.

Allele frequency attached by ClinVar (database versions not stated): ExAC 0.00011.

Submissions (4):

Labcorp Genetics (formerly Invitae), Labcorp
Classification: Uncertain significance for Charcot-Marie-Tooth disease dominant intermediate E; Focal segmental glomerulosclerosis 5. Last evaluated: 2026-01-19. Review status: criteria provided, single submitter. Criteria: Invitae Variant Classification Sherloc (09022015). Collection method: clinical testing. Allele origin: germline.
Comment: This sequence change replaces proline, which is neutral and non-polar, with leucine, which is neutral and non-polar, at codon 437 of the INF2 protein (p.Pro437Leu). The frequency data for this variant in the population databases is considered unreliable, as metrics indicate poor data quality at this position in the gnomAD database. This variant has not been reported in the literature in individuals affected with INF2-related conditions. ClinVar contains an entry for this variant (Variation ID: 654550). Invitae Evidence Modeling of protein sequence and biophysical properties (such as structural, functional, and spatial information, amino acid conservation, physicochemical variation, residue mobility, and thermodynamic stability) indicates that this missense variant is not expected to disrupt INF2 protein function with a negative predictive value of 95%. In summary, the available evidence is currently insufficient to determine the role of this variant in disease. Therefore, it has been classified as a Variant of Uncertain Significance.

Women's Health and Genetics/Laboratory Corporation of America, LabCorp
Classification: Likely benign. Last evaluated: 2024-12-17. Review status: criteria provided, single submitter. Criteria: LabCorp Variant Classification Summary - May 2015. Collection method: clinical testing. Allele origin: germline.
Comment: Variant summary: INF2 c.1310C>T (p.Pro437Leu) results in a non-conservative amino acid change in the encoded protein sequence. Four of five in-silico tools predict a benign effect of the variant on protein function. The variant allele was found at a frequency of 7e-05 in 1086498 control chromosomes, predominantly at a frequency of 9.1e-05 within the Non-Finnish European subpopulation in the gnomAD database. The observed variant frequency within Non-Finnish European control individuals in the gnomAD database is approximately 146-fold of the estimated maximal expected allele frequency for a pathogenic variant in INF2 causing Charcot-Marie-Tooth disease dominant intermediate E phenotype (6.3e-07). To our knowledge, no occurrence of c.1310C>T in individuals affected with Charcot-Marie-Tooth disease dominant intermediate E and no experimental evidence demonstrating its impact on protein function have been reported. ClinVar contains an entry for this variant (Variation ID: 654550). Based on the evidence outlined above, the variant was classified as likely benign.

Fulgent Genetics
Classification: Uncertain significance for Focal segmental glomerulosclerosis 5; Charcot-Marie-Tooth disease dominant intermediate E. Last evaluated: 2024-05-16. Review status: criteria provided, single submitter. Criteria: ACMG Guidelines, 2015. Collection method: clinical testing. Allele origin: germline.

Ambry Genetics
Classification: Uncertain significance for Inborn genetic diseases. Last evaluated: 2021-07-21. Review status: criteria provided, single submitter. Criteria: Ambry Variant Classification Scheme 2023. Collection method: clinical testing. Allele origin: germline.
Comment: The p.P437L variant (also known as c.1310C>T), located in coding exon 7 of the INF2 gene, results from a C to T substitution at nucleotide position 1310. The proline at codon 437 is replaced by leucine, an amino acid with similar properties. This amino acid position is conserved. In addition, this alteration is predicted to be tolerated by in silico analysis. Since supporting evidence is limited at this time, the clinical significance of this alteration remains unclear.

NM_022489.4(INF2):c.1310C>T (p.Pro437Leu)

Gene: INF2 (inverted formin 2; plus strand). Cytogenetic location: 14q32.33.
Variant type: single nucleotide variant.
Coding change: c.1310C>T on transcript NM_022489.4 (MANE Select); coding-DNA position 1310, C replaced by T.
Protein change: p.Pro437Leu; replaces proline 437 with leucine.
Molecular consequence: missense variant.
Genome position (GRCh38, 1-based): chr14:104,707,577, C>T. VCF-style: chr14-104707577-C-T. GRCh37 (hg19) VCF-style: chr14-105173914-C-T.
Other names: c.1310C>T, p.Pro437Leu (NM_001031714.4); short protein forms P437L.
Identifiers: ClinVar variation 654550 (VCV000654550.11), dbSNP rs746697423, ClinGen allele CA7372555.